The following is an entry in ClinVar:

ClinVar aggregate classification (germline): Likely benign (1 of 4 stars; one submission).

Submission:

CeGaT Center for Human Genetics Tuebingen
Classification: Likely benign. Last evaluated: 2024-09-01. Review status: criteria provided, single submitter. Criteria: CeGaT Center For Human Genetics Tuebingen Variant Classification Criteria Version 2. Collection method: clinical testing. Allele origin: germline. Affected: yes. Observed: 1 variant allele.
Comment: PCDH19: BP4, BP7

NM_001184880.2(PCDH19):c.2367A>C (p.Val789=)

Genes: PCDH19 (protocadherin 19; minus strand), LOC125467768 (CDK7 strongly-dependent group 2 enhancer GRCh37_chrX:99657381-99658580; plus strand). Cytogenetic location: Xq22.1.
Variant type: single nucleotide variant.
Coding change: c.2367A>C on transcript NM_001184880.2 (MANE Select); coding-DNA position 2367, A replaced by C.
Protein change: p.Val789=; no amino-acid change (valine 789 retained).
Molecular consequence: synonymous variant.
Genome position (GRCh38, 1-based): chrX:100,402,773, T>G on the plus strand (A>C on the coding strand, the complement: PCDH19 is on the minus strand). VCF-style: chrX-100402773-T-G. GRCh37 (hg19) VCF-style: chrX-99657771-T-G.
Other names: c.2226A>C, p.Val742= (NM_001105243.2, NM_020766.3).
Identifiers: ClinVar variation 3388637 (VCV003388637.14).
Genomic context (GRCh38, chrX:100,402,773, plus strand): 5'-GGAGGTCAGGGAAGAGCAACTGACAACGTTCATCTTGTCTGTCTCCTCCACATCCCGGGG[T>G]ACCAGGCGGATGTCATTCTTACTGATTTTTTTCTTCTTGCTTGATTTCTTTTGATGCCCA-3'
Protein context (NP_001171809.1, residues 779-799): KKISKNDIRL[Val789=]PRDVEETDKM